The following is an entry in ClinVar:

NM_000203.5(IDUA):c.299+1368C>T

Genes: IDUA (alpha-L-iduronidase; plus strand), SLC26A1 (solute carrier family 26 member 1; minus strand). Cytogenetic location: 4p16.3.
Variant type: single nucleotide variant.
Coding change: c.299+1368C>T on transcript NM_000203.5 (MANE Select); 1368 bases into the intron after coding-DNA position 299, C replaced by T.
Molecular consequence: intron variant. On other transcripts: missense variant (2).
Genome position (GRCh38, 1-based): chr4:989,317, C>T. VCF-style: chr4-989317-C-T. GRCh37 (hg19) VCF-style: chr4-983105-C-T.
Other names: c.1622G>A (NM_213613.2, NM_022042.3); c.1622G>A, p.Arg541His (NM_022042.4, NM_213613.4); c.576+1811G>A (NM_134425.4); short protein forms R541H.
Identifiers: ClinVar variation 64583 (VCV000064583.17), dbSNP rs376289512, ClinGen allele CA216449.
Genomic context (GRCh38, chr4:989,317, plus strand): 5'-AGGCTGTAGAGTGACTGCAGGAAGAAGTCCTTGTTGGCATAGTACAGCGGCCCCCCAAAG[C>T]GGAACACCCGCACGCCGGGCTCAGGGACGAGGCCCTCGAACTCTGTGGCATCCTCGTAGA-3'

ClinVar aggregate classification (germline): Uncertain significance. Review status: criteria provided, multiple submitters, no conflicts (2 of 4 stars). 7 submissions from 7 submitters: Uncertain significance (6). 1 of the submissions does not count toward it. Last evaluated 2024-02-27.

Conditions:
Hypersulfaturia (HYSULF). Identifiers: MedGen C5830511, MONDO:0957268, OMIM 620372.
Nephrolithiasis susceptibility caused by SLC26A1 (CAON1). Also called: NEPHROLITHIASIS, CALCIUM OXALATE, 1. Identifiers: MedGen C5779632, MONDO:0020722, OMIM 167030.
Inborn genetic diseases. Identifiers: MedGen C0950123, MeSH D030342.

Allele frequency attached by ClinVar (database versions not stated): ESP Exome Variant Server 0.00008; gnomAD 0.00009 and 0.00010; gnomAD exomes 0.00009 and 0.00015; ExAC 0.00011; TOPMed 0.00012.
gnomAD v4.1: 238 of 1,610,816 alleles (0.015%); highest among the groups gnomAD compares: Middle Eastern, 0.049%; no homozygotes.

Submissions (7):

Fulgent Genetics
Classification: Uncertain significance for Nephrolithiasis susceptibility caused by SLC26A1; Hypersulfaturia. Last evaluated: 2024-02-27. Review status: criteria provided, single submitter. Criteria: ACMG Guidelines, 2015. Collection method: clinical testing. Allele origin: germline.

Ambry Genetics
Classification: Uncertain significance for Inborn genetic diseases. Last evaluated: 2024-01-08. Review status: criteria provided, single submitter. Criteria: Ambry Variant Classification Scheme 2023. Collection method: clinical testing. Allele origin: germline.

Victorian Clinical Genetics Services, Murdoch Childrens Research Institute
Classification: Uncertain significance for Nephrolithiasis susceptibility caused by SLC26A1. Last evaluated: 2023-07-17. Review status: criteria provided, single submitter. Criteria: ACMG Guidelines, 2015. Collection method: clinical testing. Allele origin: germline. Inheritance: Autosomal recessive inheritance.
Comment: Based on the classification scheme VCGS_Germline_v1.3.4, this variant is classified as VUS-3B. Following criteria are met: 0102 - Loss of function is a known mechanism of disease in this gene and is associated with Nephrolithiasis, calcium oxalate (MIM#167030) (I) 0108 - This gene is associated with both recessive and dominant disease. (I) 0200 - Variant is predicted to result in a missense amino acid change from arginine to histidine. (I) 0251 - This variant is heterozygous. (I) 0304 - Variant is present in gnomAD <0.01 (v2: 28 heterozygotes, 0 homozygotes). (SP) 0501 - Missense variant consistently predicted to be damaging by multiple in silico tools or highly conserved with a major amino acid change. (SP) 0600 - Variant is located in the annotated STAS domain (DECIPHER, Uniprot). (I) 0705 - No comparable missense variants have previous evidence for pathogenicity. (I) 0809 - Previous evidence of pathogenicity for this variant is inconclusive. It has been classified as a variant of uncertain significance by a diagnostic laboratory in ClinVar. (I) 0905 - No published segregation evidence has been identified for this variant. (I) 1007 - No published functional evidence has been identified for this variant. (I) 1208 - Inheritance information for this variant is not currently available in this individual. (I) Legend: (SP) - Supporting pathogenic, (I) - Information, (SB) - Supporting benign

Labcorp Genetics (formerly Invitae), Labcorp
Classification: Uncertain significance. Last evaluated: 2022-11-26. Review status: criteria provided, single submitter. Criteria: Invitae Variant Classification Sherloc (09022015). Collection method: clinical testing. Allele origin: germline.
Comment: This sequence change replaces arginine, which is basic and polar, with histidine, which is basic and polar, at codon 541 of the SLC26A1 protein (p.Arg541His). This variant is present in population databases (rs376289512, gnomAD 0.01%). This variant has not been reported in the literature in individuals affected with SLC26A1-related conditions. ClinVar contains an entry for this variant (Variation ID: 64583). Advanced modeling of protein sequence and biophysical properties (such as structural, functional, and spatial information, amino acid conservation, physicochemical variation, residue mobility, and thermodynamic stability) performed at Invitae indicates that this missense variant is not expected to disrupt SLC26A1 protein function. In summary, the available evidence is currently insufficient to determine the role of this variant in disease. Therefore, it has been classified as a Variant of Uncertain Significance.

GeneDx
Classification: Uncertain significance. Last evaluated: 2019-04-30. Review status: criteria provided, single submitter. Criteria: GeneDx Variant Classification Process June 2021. Collection method: clinical testing. Allele origin: germline. Affected: yes.
Comment: In silico analysis, which includes protein predictors and evolutionary conservation, supports a deleterious effect; Has not been previously published as pathogenic or benign to our knowledge; Variants in candidate genes are classified as variants of uncertain significance in accordance with ACMG guidelines (Richards et al., 2015)

Breakthrough Genomics
Classification: Uncertain significance. Review status: criteria provided, single submitter. Criteria: ACMG Guidelines, 2015. Collection method: not provided. Allele origin: germline. Inheritance: Autosomal recessive inheritance. Affected: yes.

Martin Pollak Laboratory,  Beth Israel Deaconess Medical Center
Classification: Uncertain significance. Review status: no assertion criteria provided. Collection method: not provided. Allele origin: unknown. Not counted in ClinVar's aggregate classification.
Comment: Higher UCa2+ group
ClinVar note: Converted during submission from unknown to Uncertain significance.